The following is an entry in ClinVar:

ClinVar aggregate classification (germline): Uncertain significance. Review status: criteria provided, multiple submitters, no conflicts (2 of 4 stars). 3 submissions from 3 submitters: Uncertain significance (3). Last evaluated 2026-05-01.

Conditions:
Arrhythmogenic right ventricular dysplasia 10. Also called: Arrhythmogenic right ventricular dysplasia/cardiomyopathy, type 10; Arrhythmogenic Right Ventricular Dysplasia/Cardiomyopathy10; ARRHYTHMOGENIC RIGHT VENTRICULAR DYSPLASIA, FAMILIAL, 10. Identifiers: MedGen C1857777, MONDO:0012434, OMIM 610193.

Allele frequency attached by ClinVar (database versions not stated): gnomAD 0.00001; ESP Exome Variant Server 0.00008; TOPMed below 0.00001; ExAC 0.00001.
gnomAD v4.1: 1 of 1,614,060 alleles (0.000062%); highest among the groups gnomAD compares: African/African-American, 0.0013%; no homozygotes.

Submissions (3):

Women's Health and Genetics/Laboratory Corporation of America, LabCorp
Classification: Uncertain significance. Last evaluated: 2026-05-01. Review status: criteria provided, single submitter. Criteria: LabCorp Variant Classification Summary - May 2015. Collection method: clinical testing. Allele origin: germline.

GeneDx
Classification: Uncertain significance. Last evaluated: 2025-06-16. Review status: criteria provided, single submitter. Criteria: GeneDx Variant Classification Process June 2021. Collection method: clinical testing. Allele origin: germline. Affected: yes.
Comment: Not observed at significant frequency in large population cohorts (gnomAD); In silico analysis supports that this missense variant has a deleterious effect on protein structure/function; Has not been previously published as pathogenic or benign to our knowledge

Labcorp Genetics (formerly Invitae), Labcorp
Classification: Uncertain significance for Arrhythmogenic right ventricular dysplasia 10. Last evaluated: 2025-02-09. Review status: criteria provided, single submitter. Criteria: Invitae Variant Classification Sherloc (09022015). Collection method: clinical testing. Allele origin: germline.
Comment: This sequence change replaces isoleucine, which is neutral and non-polar, with threonine, which is neutral and polar, at codon 323 of the DSG2 protein (p.Ile323Thr). This variant is present in population databases (rs370140174, gnomAD 0.007%). This variant has not been reported in the literature in individuals affected with DSG2-related conditions. ClinVar contains an entry for this variant (Variation ID: 2967625). Invitae Evidence Modeling of protein sequence and biophysical properties (such as structural, functional, and spatial information, amino acid conservation, physicochemical variation, residue mobility, and thermodynamic stability) has been performed for this missense variant. However, the output from this modeling did not meet the statistical confidence thresholds required to predict the impact of this variant on DSG2 protein function. In summary, the available evidence is currently insufficient to determine the role of this variant in disease. Therefore, it has been classified as a Variant of Uncertain Significance.

NM_001943.5(DSG2):c.968T>C (p.Ile323Thr)

Gene: DSG2 (desmoglein 2; plus strand). Cytogenetic location: 18q12.1.
Variant type: single nucleotide variant.
Coding change: c.968T>C on transcript NM_001943.5 (MANE Select); coding-DNA position 968, T replaced by C.
Protein change: p.Ile323Thr; replaces isoleucine 323 with threonine.
Molecular consequence: missense variant.
Genome position (GRCh38, 1-based): chr18:31,524,842, T>C. VCF-style: chr18-31524842-T-C. GRCh37 (hg19) VCF-style: chr18-29104805-T-C.
Other names: short protein forms I323T.
Identifiers: ClinVar variation 2967625 (VCV002967625.5), dbSNP rs370140174, ClinGen allele CA050560.